The following is an entry in ClinVar:

ClinVar aggregate classification (germline): Likely pathogenic (1 of 4 stars; one submission).

Conditions:
Usher syndrome. Also called: Usher Syndromes; Usher's syndrome. Identifiers: Orphanet 886, MedGen CN469326, MeSH D052245, MONDO:0019501. Disease mechanism: loss of function.

Submission:

Women's Health and Genetics/Laboratory Corporation of America, LabCorp
Classification: Likely pathogenic for Retinitis pigmentosa-deafness syndrome. Last evaluated: 2022-06-01. Review status: criteria provided, single submitter. Criteria: LabCorp Variant Classification Summary - May 2015. Collection method: clinical testing. Allele origin: germline.
Comment: Variant summary: The variant identified by MLPA or other technology involves the deletion of exons 5-21 in the ADGRV1 gene. A presumed nomenclature of c.(453+1_454-1)_(4752+1_4753-1)del has been designated for the purposes of this classification. Although exact breakpoints of this CNV are not known, it is expected to result in a large in-frame deletion in the ADGRV1 gene, a known mechanism of disease. The variant was absent in 21660 control chromosomes (gnomAD, Structural Variants dataset). To our knowledge, no occurrence of c.(453+1_454-1)_(4752+1_4753-1)del in individuals affected with Usher Syndrome and no experimental evidence demonstrating its impact on protein function have been reported. No clinical diagnostic laboratories have submitted clinical-significance assessments for this variant to ClinVar after 2014. Based on the evidence outlined above, the variant was classified as likely pathogenic.

NC_000005.9:g.(89914999_89918413)_(89954096_89968362)del

Gene: ADGRV1 (adhesion G protein-coupled receptor V1; plus strand). Cytogenetic location: 5q14.3.
Variant type: Deletion.
Identifiers: ClinVar variation 1698576 (VCV001698576.1).